The following is an entry in ClinVar:

ClinVar aggregate classification (germline): Likely pathogenic (1 of 4 stars; one submission).

Submission:

Labcorp Genetics (formerly Invitae), Labcorp
Classification: Likely pathogenic. Last evaluated: 2024-02-20. Review status: criteria provided, single submitter. Criteria: Invitae Variant Classification Sherloc (09022015). Collection method: clinical testing. Allele origin: germline.
Comment: This sequence change replaces arginine, which is basic and polar, with leucine, which is neutral and non-polar, at codon 436 of the TMPRSS3 protein (p.Arg436Leu). This variant is not present in population databases (gnomAD no frequency). This variant has not been reported in the literature in individuals affected with TMPRSS3-related conditions. Advanced modeling of protein sequence and biophysical properties (such as structural, functional, and spatial information, amino acid conservation, physicochemical variation, residue mobility, and thermodynamic stability) performed at Invitae indicates that this missense variant is expected to disrupt TMPRSS3 protein function with a positive predictive value of 95%. This variant disrupts the p.Arg436 amino acid residue in TMPRSS3. Other variant(s) that disrupt this residue have been determined to be pathogenic (Invitae). This suggests that this residue is clinically significant, and that variants that disrupt this residue are likely to be disease-causing. In summary, the currently available evidence indicates that the variant is pathogenic, but additional data are needed to prove that conclusively. Therefore, this variant has been classified as Likely Pathogenic.

NM_001256317.3(TMPRSS3):c.1304G>T (p.Arg435Leu)

Gene: TMPRSS3 (transmembrane serine protease 3; minus strand). Cytogenetic location: 21q22.3.
Variant type: single nucleotide variant.
Coding change: c.1304G>T on transcript NM_001256317.3 (MANE Select); coding-DNA position 1304, G replaced by T.
Protein change: p.Arg435Leu; replaces arginine 435 with leucine.
Molecular consequence: missense variant.
Genome position (GRCh38, 1-based): chr21:42,375,756, C>A on the plus strand (G>T on the coding strand, the complement: TMPRSS3 is on the minus strand). VCF-style: chr21-42375756-C-A. GRCh37 (hg19) VCF-style: chr21-43795865-C-A.
Other names: c.1307G>T, p.Arg436Leu (NM_024022.4); c.926G>T, p.Arg309Leu (NM_032404.3); short protein forms R309L, R435L, R436L.
Identifiers: ClinVar variation 3637825 (VCV003637825.2).